The following is an entry in ClinVar:

ClinVar aggregate classification (germline): Uncertain significance (1 of 4 stars; one submission).

Submission:

Labcorp Genetics (formerly Invitae), Labcorp
Classification: Uncertain significance. Last evaluated: 2021-06-06. Review status: criteria provided, single submitter. Criteria: Invitae Variant Classification Sherloc (09022015). Collection method: clinical testing. Allele origin: germline.
Comment: This variant has not been reported in the literature in individuals with PCLO-related conditions. Algorithms developed to predict the effect of missense changes on protein structure and function output the following: SIFT: "Deleterious"; PolyPhen-2: "Possibly Damaging"; Align-GVGD: "Class C0". The threonine amino acid residue is found in multiple mammalian species, suggesting that this missense change does not adversely affect protein function. These predictions have not been confirmed by published functional studies and their clinical significance is uncertain. In summary, the available evidence is currently insufficient to determine the role of this variant in disease. Therefore, it has been classified as a Variant of Uncertain Significance. This variant is not present in population databases (ExAC no frequency). This sequence change replaces alanine with threonine at codon 541 of the PCLO protein (p.Ala541Thr). The alanine residue is weakly conserved and there is a small physicochemical difference between alanine and threonine.

NM_033026.6(PCLO):c.1621G>A (p.Ala541Thr)

Gene: PCLO (piccolo presynaptic cytomatrix protein; minus strand). Cytogenetic location: 7q21.11.
Variant type: single nucleotide variant.
Coding change: c.1621G>A on transcript NM_033026.6 (MANE Select); coding-DNA position 1621, G replaced by A.
Protein change: p.Ala541Thr; replaces alanine 541 with threonine.
Molecular consequence: missense variant.
Genome position (GRCh38, 1-based): chr7:83,155,020, C>T on the plus strand (G>A on the coding strand, the complement: PCLO is on the minus strand). VCF-style: chr7-83155020-C-T. GRCh37 (hg19) VCF-style: chr7-82784336-C-T.
Other names: c.1621G>A, p.Ala541Thr (NM_014510.3); short protein forms A541T.
Identifiers: ClinVar variation 1511439 (VCV001511439.8), dbSNP rs534488430, ClinGen allele CA367913417.